The following is an entry in ClinVar:

NM_005876.5(SPEG):c.1921C>T (p.Leu641=)

Gene: SPEG (striated muscle enriched protein kinase; plus strand). Cytogenetic location: 2q35.
Variant type: single nucleotide variant.
Coding change: c.1921C>T on transcript NM_005876.5 (MANE Select); coding-DNA position 1921, C replaced by T.
Protein change: p.Leu641=; no amino-acid change (leucine 641 retained).
Molecular consequence: synonymous variant.
Genome position (GRCh38, 1-based): chr2:219,449,079, C>T. VCF-style: chr2-219449079-C-T. GRCh37 (hg19) VCF-style: chr2-220313801-C-T.
Identifiers: ClinVar variation 718399 (VCV000718399.7), dbSNP rs771894849, ClinGen allele CA2125733.

ClinVar aggregate classification (germline): Likely benign. Review status: criteria provided, multiple submitters, no conflicts (2 of 4 stars). 3 submissions from 3 submitters: Likely benign (3). Last evaluated 2025-05-05.

Conditions:
SPEG-related disorder. Also called: SPEG-related condition.

Allele frequency attached by ClinVar (database versions not stated): gnomAD exomes 0.00001; TOPMed 0.00001; ExAC below 0.00001; gnomAD 0.00001.
gnomAD v4.1: 5 of 1,513,842 alleles (0.00033%); highest among the groups gnomAD compares: African/African-American, 0.0029%; no homozygotes.

Submissions (3):

PreventionGenetics, part of Exact Sciences
Classification: Likely benign for SPEG-related condition. Last evaluated: 2025-05-05. Review status: criteria provided, single submitter. Criteria: ACMG Guidelines, 2015. Collection method: clinical testing. Allele origin: germline.
Comment: This variant is classified as likely benign based on ACMG/AMP sequence variant interpretation guidelines (Richards et al. 2015 PMID: 25741868, with internal and published modifications).

Labcorp Genetics (formerly Invitae), Labcorp
Classification: Likely benign. Last evaluated: 2024-03-10. Review status: criteria provided, single submitter. Criteria: Invitae Variant Classification Sherloc (09022015). Collection method: clinical testing. Allele origin: germline.

Blueprint Genetics
Classification: Likely benign. Last evaluated: 2023-01-09. Review status: criteria provided, single submitter. Criteria: ACMG Guidelines, 2015. Collection method: clinical testing. Allele origin: germline.